The following is an entry in ClinVar:

ClinVar aggregate classification (germline): Uncertain significance (1 of 4 stars; one submission).

Conditions:
Developmental and epileptic encephalopathy, 9 (DEE9). Also called: Early infantile epileptic encephalopathy 9; EPILEPSY, FEMALE-RESTRICTED, WITH MENTAL RETARDATION; JUBERG-HELLMAN SYNDROME; PCDH19-Related X-Linked Female-Limited Epilepsy with Mental Retardation. Identifiers: Orphanet 101039, Orphanet 2076, MedGen C1848137, MONDO:0010246, OMIM 300088. Disease mechanism: loss of function.

Allele frequency attached by ClinVar (database versions not stated): ExAC 0.00001.
gnomAD v4.1: 2 of 1,211,141 alleles (0.00017%); highest among the groups gnomAD compares: African/African-American, 0.0035%; no homozygotes.

Submission:

Labcorp Genetics (formerly Invitae), Labcorp
Classification: Uncertain significance for Developmental and epileptic encephalopathy, 9. Last evaluated: 2023-01-26. Review status: criteria provided, single submitter. Criteria: Invitae Variant Classification Sherloc (09022015). Collection method: clinical testing. Allele origin: germline.
Comment: In summary, the available evidence is currently insufficient to determine the role of this variant in disease. Therefore, it has been classified as a Variant of Uncertain Significance. Advanced modeling of protein sequence and biophysical properties (such as structural, functional, and spatial information, amino acid conservation, physicochemical variation, residue mobility, and thermodynamic stability) performed at Invitae indicates that this missense variant is expected to disrupt PCDH19 protein function. This variant has not been reported in the literature in individuals affected with PCDH19-related conditions. This variant is present in population databases (rs777075043, gnomAD 0.008%). This sequence change replaces alanine, which is neutral and non-polar, with serine, which is neutral and polar, at codon 262 of the PCDH19 protein (p.Ala262Ser).

NM_001184880.2(PCDH19):c.784G>T (p.Ala262Ser)

Gene: PCDH19 (protocadherin 19; minus strand). Cytogenetic location: Xq22.1.
Variant type: single nucleotide variant.
Coding change: c.784G>T on transcript NM_001184880.2 (MANE Select); coding-DNA position 784, G replaced by T.
Protein change: p.Ala262Ser; replaces alanine 262 with serine.
Molecular consequence: missense variant.
Genome position (GRCh38, 1-based): chrX:100,407,814, C>A on the plus strand (G>T on the coding strand, the complement: PCDH19 is on the minus strand). VCF-style: chrX-100407814-C-A. GRCh37 (hg19) VCF-style: chrX-99662812-C-A.
Other names: c.784G>T, p.Ala262Ser (NM_020766.3, NM_001105243.2); short protein forms A262S.
Identifiers: ClinVar variation 2792466 (VCV002792466.3), dbSNP rs777075043, ClinGen allele CA10468953.